The following is an entry in ClinVar:

NM_032043.3(BRIP1):c.3387T>C (p.Ser1129=)

Gene: BRIP1 (BRCA1 interacting DNA helicase 1; minus strand). Cytogenetic location: 17q23.2.
Variant type: single nucleotide variant.
Coding change: c.3387T>C on transcript NM_032043.3 (MANE Select); coding-DNA position 3387, T replaced by C.
Protein change: p.Ser1129=; no amino-acid change (serine 1129 retained).
Molecular consequence: synonymous variant.
Genome position (GRCh38, 1-based): chr17:61,683,659, A>G on the plus strand (T>C on the coding strand, the complement: BRIP1 is on the minus strand). VCF-style: chr17-61683659-A-G. GRCh37 (hg19) VCF-style: chr17-59761020-A-G.
Identifiers: ClinVar variation 2573627 (VCV002573627.3), dbSNP rs2144077940, ClinGen allele CA501335050.

ClinVar aggregate classification (germline): Likely benign. Review status: criteria provided, multiple submitters, no conflicts (2 of 4 stars). 2 submissions from 2 submitters: Likely benign (2). Last evaluated 2024-04-15.

Conditions:
Familial cancer of breast. Also called: BREAST CANCER, FAMILIAL; hereditary breast carcinoma; Hereditary breast cancer. Identifiers: Orphanet 227535, MedGen C0346153, MONDO:0016419, OMIM 114480. Disease mechanism: loss of function.
Fanconi anemia complementation group J. Also called: BRIP1-Related Fanconi Anemia. Identifiers: Orphanet 84, MedGen C1836860, MONDO:0012187, OMIM 609054.

Submissions (2):

Labcorp Genetics (formerly Invitae), Labcorp
Classification: Likely benign for Familial cancer of breast; Fanconi anemia complementation group J. Last evaluated: 2024-04-15. Review status: criteria provided, single submitter. Criteria: Invitae Variant Classification Sherloc (09022015). Collection method: clinical testing. Allele origin: germline.

Women's Health and Genetics/Laboratory Corporation of America, LabCorp
Classification: Likely benign. Last evaluated: 2023-06-07. Review status: criteria provided, single submitter. Criteria: LabCorp Variant Classification Summary - May 2015. Collection method: clinical testing. Allele origin: germline.
Comment: Variant summary: BRIP1 c.3387T>C alters a non-conserved nucleotide resulting in a synonymous change. 4/4 computational tools predict no significant impact on normal splicing. However, these predictions have yet to be confirmed by functional studies. The variant was absent in 250310 control chromosomes (gnomAD). The available data on variant occurrences in the general population are insufficient to allow any conclusion about variant significance. To our knowledge, no occurrence of c.3387T>C in individuals affected with Hereditary Breast And Ovarian Cancer Syndrome and no experimental evidence demonstrating its impact on protein function have been reported. No clinical diagnostic laboratories have submitted clinical-significance assessments for this variant to ClinVar after 2014. Based on the evidence outlined above, the variant was classified as likely benign.